The following is an entry in ClinVar:

ClinVar aggregate classification (germline): Benign/Likely benign. Review status: criteria provided, multiple submitters, no conflicts (2 of 4 stars). 3 submissions from 3 submitters: Benign (1); Likely benign (2). Last evaluated 2025-09-12.

gnomAD v4.1: 52 of 1,613,806 alleles (0.0032%); highest among the groups gnomAD compares: Non-Finnish European, 0.004%; no homozygotes.

Submissions (3):

Athena Diagnostics
Classification: Benign. Last evaluated: 2025-09-12. Review status: criteria provided, single submitter. Criteria: Athena Diagnostics Criteria. Collection method: clinical testing. Allele origin: unknown.
Comment: The frequency of this variant in the general population is higher than would generally be expected for pathogenic variants in this gene. Computational tools yielded predictions that this variant is unlikely to have an effect on normal RNA splicing. This nucleotide position exhibits low evolutionary conservation. This variant has been seen where an alternate explanation for disease was also identified.

Mayo Clinic Laboratories, Mayo Clinic
Classification: Likely benign. Last evaluated: 2024-11-21. Review status: criteria provided, single submitter. Criteria: ACMG Guidelines, 2015. Collection method: clinical testing. Allele origin: germline. Observed: 1 variant allele.
Comment: BP4, BP7

Blueprint Genetics
Classification: Likely benign. Last evaluated: 2024-09-16. Review status: criteria provided, single submitter. Criteria: ACMG Guidelines, 2015. Collection method: clinical testing. Allele origin: germline.

NM_173500.4(TTBK2):c.432+6G>C

Gene: TTBK2 (tau tubulin kinase 2; minus strand). Cytogenetic location: 15q15.2.
Variant type: single nucleotide variant.
Coding change: c.432+6G>C on transcript NM_173500.4 (MANE Select); 6 bases into the intron after coding-DNA position 432, G replaced by C.
Molecular consequence: intron variant.
Genome position (GRCh38, 1-based): chr15:42,829,932, C>G on the plus strand (G>C on the coding strand, the complement: TTBK2 is on the minus strand). VCF-style: chr15-42829932-C-G. GRCh37 (hg19) VCF-style: chr15-43122130-C-G.
Other names: p.?.
Identifiers: ClinVar variation 4682432 (VCV004682432.3).